The following is an entry in ClinVar:

NM_018325.5(C9orf72):c.*837G>A

Gene: C9orf72 (C9orf72-SMCR8 complex subunit; minus strand). Cytogenetic location: 9p21.2.
Variant type: single nucleotide variant.
Coding change: c.*837G>A on transcript NM_018325.5 (MANE Select); 837 bases downstream of the stop codon, G replaced by A.
Molecular consequence: 3 prime UTR variant.
Genome position (GRCh38, 1-based): chr9:27,547,399, C>T on the plus strand (G>A on the coding strand, the complement: C9orf72 is on the minus strand). VCF-style: chr9-27547399-C-T. GRCh37 (hg19) VCF-style: chr9-27547397-C-T.
Other names: c.*837G>A (NM_001256054.3).
Identifiers: ClinVar variation 366492 (VCV000366492.5), dbSNP rs80172172, ClinGen allele CA10633428.
Genomic context (GRCh38, chr9:27,547,399, plus strand): 5'-ACATGGTAAGACTTAGCAAGAAGAAAACAAGATGAAAATGACTGACCAGTGAAATCTGAA[C>T]TTGTTCCAAGTAATTAGATTTTCTAAGGAGAAAAAAGGCACAGGAGGTGCACATTTCAAT-3'

ClinVar aggregate classification (germline): Benign (1 of 4 stars; one submission).

Conditions:
Frontotemporal dementia and/or amyotrophic lateral sclerosis 1 (FTDALS1). Also called: Frontotemporal dementia with motor neuron disease 1; C9orf72 Frontotemporal Dementia and/or Amyotrophic Lateral Sclerosis. Identifiers: Orphanet 275872, MedGen C5779877, MONDO:0007105, OMIM 105550.

Allele frequency attached by ClinVar (database versions not stated): gnomAD 0.00309 and 0.00329; TOPMed 0.00335; 1000 Genomes Project 0.00359; 1000 Genomes Project 30x 0.00375.
gnomAD v4.1: 464 of 152,726 alleles (0.3%); highest among the groups gnomAD compares: African/African-American, 1.1%; 4 homozygotes.

Submission:

Illumina Laboratory Services, Illumina
Classification: Benign for Frontotemporal dementia and/or amyotrophic lateral sclerosis 1. Last evaluated: 2018-01-13. Review status: criteria provided, single submitter. Criteria: ICSL Variant Classification Criteria 13 December 2019. Collection method: clinical testing. Allele origin: germline.
Comment: This variant was observed in the ICSL laboratory as part of a predisposition screen in an ostensibly healthy population. It had not been previously curated by ICSL or reported in the Human Gene Mutation Database (HGMD: prior to June 1st, 2018), and was therefore a candidate for classification through an automated scoring system. Utilizing variant allele frequency, disease prevalence and penetrance estimates, and inheritance mode, an automated score was calculated to assess if this variant is too frequent to cause the disease. Based on the score and internal cut-off values, a variant classified as benign is not then subjected to further curation. The score for this variant resulted in a classification of benign for this disease.